The following is an entry in ClinVar:

ClinVar aggregate classification (germline): Uncertain significance (1 of 4 stars; one submission).

Conditions:
Early-infantile DEE. Also called: Ohtahara syndrome; Early infantile epileptic encephalopathy; Early infantile epileptic encephalopathy with suppression bursts. Identifiers: Orphanet 1934, MedGen C0393706, MONDO:0800491.

Submission:

Labcorp Genetics (formerly Invitae), Labcorp
Classification: Uncertain significance for Early-infantile DEE. Last evaluated: 2025-02-06. Review status: criteria provided, single submitter. Criteria: Invitae Variant Classification Sherloc (09022015). Collection method: clinical testing. Allele origin: germline.
Comment: This sequence change replaces methionine, which is neutral and non-polar, with isoleucine, which is neutral and non-polar, at codon 128 of the GNAO1 protein (p.Met128Ile). This variant is present in population databases (no rsID available, gnomAD 0.0009%). This variant has not been reported in the literature in individuals affected with GNAO1-related conditions. Invitae Evidence Modeling of protein sequence and biophysical properties (such as structural, functional, and spatial information, amino acid conservation, physicochemical variation, residue mobility, and thermodynamic stability) indicates that this missense variant is not expected to disrupt GNAO1 protein function with a negative predictive value of 95%. In summary, the available evidence is currently insufficient to determine the role of this variant in disease. Therefore, it has been classified as a Variant of Uncertain Significance.

NM_020988.3(GNAO1):c.384G>T (p.Met128Ile)

Gene: GNAO1 (G protein subunit alpha o1; plus strand). Cytogenetic location: 16q13.
Variant type: single nucleotide variant.
Coding change: c.384G>T on transcript NM_020988.3 (MANE Select); coding-DNA position 384, G replaced by T.
Protein change: p.Met128Ile; replaces methionine 128 with isoleucine.
Molecular consequence: missense variant.
Genome position (GRCh38, 1-based): chr16:56,328,711, G>T. VCF-style: chr16-56328711-G-T. GRCh37 (hg19) VCF-style: chr16-56362623-G-T.
Other names: c.384G>T, p.Met128Ile (NM_138736.3); short protein forms M128I.
Identifiers: ClinVar variation 4798706 (VCV004798706.1).